The following is an entry in ClinVar:

NM_020778.5(ALPK3):c.2534G>A (p.Gly845Glu)

Gene: ALPK3 (alpha kinase 3; plus strand). Cytogenetic location: 15q25.3.
Variant type: single nucleotide variant.
Coding change: c.2534G>A on transcript NM_020778.5 (MANE Select); coding-DNA position 2534, G replaced by A.
Protein change: p.Gly845Glu; replaces glycine 845 with glutamic acid.
Molecular consequence: missense variant.
Genome position (GRCh38, 1-based): chr15:84,857,272, G>A. VCF-style: chr15-84857272-G-A. GRCh37 (hg19) VCF-style: chr15-85400503-G-A.
Other names: short protein forms G845E.
Identifiers: ClinVar variation 1467379 (VCV001467379.6), dbSNP rs948234674, ClinGen allele CA273624449.

ClinVar aggregate classification (germline): Uncertain significance (1 of 4 stars; one submission).

Allele frequency attached by ClinVar (database versions not stated): gnomAD exomes below 0.00001.
gnomAD v4.1: 2 of 1,614,106 alleles (0.00012%); highest among the groups gnomAD compares: Admixed American, 0.0017%; no homozygotes.

Submission:

Labcorp Genetics (formerly Invitae), Labcorp
Classification: Uncertain significance. Last evaluated: 2025-06-11. Review status: criteria provided, single submitter. Criteria: Invitae Variant Classification Sherloc (09022015). Collection method: clinical testing. Allele origin: germline.
Comment: This sequence change replaces glycine, which is neutral and non-polar, with glutamic acid, which is acidic and polar, at codon 1047 of the ALPK3 protein (p.Gly1047Glu). This variant is not present in population databases (gnomAD no frequency). This variant has not been reported in the literature in individuals affected with ALPK3-related conditions. ClinVar contains an entry for this variant (Variation ID: 1467379). Invitae Evidence Modeling of protein sequence and biophysical properties (such as structural, functional, and spatial information, amino acid conservation, physicochemical variation, residue mobility, and thermodynamic stability) indicates that this missense variant is not expected to disrupt ALPK3 protein function with a negative predictive value of 80%. In summary, the available evidence is currently insufficient to determine the role of this variant in disease. Therefore, it has been classified as a Variant of Uncertain Significance.